The following is an entry in ClinVar:

NM_005591.4(MRE11):c.426C>G (p.Asp142Glu)

Gene: MRE11 (MRE11 double strand break repair nuclease; minus strand). Cytogenetic location: 11q21.
Variant type: single nucleotide variant.
Coding change: c.426C>G on transcript NM_005591.4 (MANE Select); coding-DNA position 426, C replaced by G.
Protein change: p.Asp142Glu; replaces aspartic acid 142 with glutamic acid.
Molecular consequence: missense variant. On other transcripts: 5 prime UTR variant (3), intron variant (3).
Genome position (GRCh38, 1-based): chr11:94,478,853, G>C on the plus strand (C>G on the coding strand, the complement: MRE11 is on the minus strand). VCF-style: chr11-94478853-G-C. GRCh37 (hg19) VCF-style: chr11-94212019-G-C.
Other names: c.426C>G, p.Asp142Glu (NM_001330347.2, NM_001440460.1, NM_001440461.1 and 18 more transcripts); c.351C>G, p.Asp117Glu (NM_001440471.1, NM_001440472.1, NM_001440479.1); c.-43C>G (NM_001440485.1, NM_001440486.1, NM_001440487.1); c.314+7071C>G (NM_001440483.1, NM_001440484.1, NM_001440482.1); short protein forms D117E, D142E.
Identifiers: ClinVar variation 4651124 (VCV004651124.1).

ClinVar aggregate classification (germline): Uncertain significance (1 of 4 stars; one submission).

Conditions:
Hereditary cancer-predisposing syndrome. Also called: Neoplastic Syndromes, Hereditary; Tumor predisposition; Hereditary Cancer Syndrome; Hereditary neoplastic syndrome. Identifiers: Orphanet 140162, MedGen C0027672, MeSH D009386, MONDO:0015356.

Submission:

Ambry Genetics
Classification: Uncertain significance for Hereditary cancer-predisposing syndrome. Last evaluated: 2025-11-03. Review status: criteria provided, single submitter. Criteria: Ambry Variant Classification Scheme 2023. Collection method: clinical testing. Allele origin: germline.
Comment: The p.D142E variant (also known as c.426C>G), located in coding exon 5 of the MRE11A gene, results from a C to G substitution at nucleotide position 426. The aspartic acid at codon 142 is replaced by glutamic acid, an amino acid with highly similar properties. This amino acid position is conserved. In addition, this alteration is predicted to be deleterious by in silico analysis. Based on the available evidence, the clinical significance of this variant remains unclear.